The following is an entry in ClinVar:

ClinVar aggregate classification (germline): Benign/Likely benign. Review status: criteria provided, multiple submitters, no conflicts (2 of 4 stars). 3 submissions from 3 submitters: Benign (1); Likely benign (2). Last evaluated 2026-01-13.

Conditions:
Familial sleep-related hypermotor epilepsy. Also called: Autosomal Dominant Sleep-Related Hypermotor (Hyperkinetic) Epilepsy. Identifiers: Orphanet 98784, MedGen C3696898, MONDO:0000030.

Submissions (3):

Labcorp Genetics (formerly Invitae), Labcorp
Classification: Benign. Last evaluated: 2026-01-13. Review status: criteria provided, single submitter. Criteria: Invitae Variant Classification Sherloc (09022015). Collection method: clinical testing. Allele origin: germline.

Blueprint Genetics
Classification: Likely benign. Last evaluated: 2024-10-07. Review status: criteria provided, single submitter. Criteria: ACMG Guidelines, 2015. Collection method: clinical testing. Allele origin: germline.

GeneDx
Classification: Likely benign. Last evaluated: 2017-10-06. Review status: criteria provided, single submitter. Criteria: GeneDx Variant Classification (06012015). Collection method: clinical testing. Allele origin: germline. Affected: yes.
Comment: This variant is considered likely benign or benign based on one or more of the following criteria: it is a conservative change, it occurs at a poorly conserved position in the protein, it is predicted to be benign by multiple in silico algorithms, and/or has population frequency not consistent with disease.

NM_000744.7(CHRNA4):c.383+15_383+32del

Genes: CHRNA4 (cholinergic receptor nicotinic alpha 4 subunit; minus strand), LOC126863087 (P300/CBP strongly-dependent group 1 enhancer GRCh37_chr20:61986832-61988031; plus strand). Cytogenetic location: 20q13.33.
Variant type: Microsatellite.
Coding change: c.383+15_383+32del on transcript NM_000744.7 (MANE Select); bases 15 to 32 of the intron after coding-DNA position 383, 18 bases deleted (ACAAGTGAGTCCTCTACA).
Molecular consequence: splice donor variant.
Genome position (GRCh38, 1-based): chr20:63,355,943-63,355,960, TGTAGAGGACTCACTTGT deleted on the plus strand (ACAAGTGAGTCCTCTACA on the coding strand, the reverse complement: CHRNA4 is on the minus strand); deleting any 18 consecutive bases within chr20:63,355,943-63,355,988 gives the same sequence; the c. name uses the placement nearest the transcript's 3' end. VCF-style (leftmost placement, unchanged base first): chr20-63355942-CTGTAGAGGACTCACTTGT-C. GRCh37 (hg19) VCF-style: chr20-61987294-CTGTAGAGGACTCACTTGT-C.
Other names: c.-149_-146+14del (NM_001256573.2).
Identifiers: ClinVar variation 506620 (VCV000506620.10), ClinGen allele CA9957845.